The following is an entry in ClinVar:

ClinVar aggregate classification (germline): Uncertain significance (1 of 4 stars; one submission).

Conditions:
Familial intrahepatic cholestasis. Identifiers: Orphanet 284385, MedGen CN296401, MONDO:0017290.

Submission:

Genomenon, Inc
Classification: Uncertain significance for Familial intrahepatic cholestasis. Last evaluated: 2026-04-14. Review status: criteria provided, single submitter. Criteria: Genomenon Sequence Variant Interpretation Standards - Updated. Collection method: curation. Allele origin: germline. Affected: yes.
Comment: ABCB4 p.Asp459His (c.1375G>C) is a missense variant that changes the amino acid at residue 459 from Aspartic acid to Histidine. This variant has been observed in at least one proband with an ABCB4-related disorder (PMID:24594635). At least one functional study has demonstrated a substantial alteration in protein function relative to the wild-type (PMID:24594635;26900700). It is absent or not present at a significant frequency in gnomAD. In silico models predict that this variant is possibly or probably damaging. In conclusion, we classify ABCB4 p.Asp459His (c.1375G>C) as a variant of uncertain significance.

Literature cited by the submitters: PubMed 24594635; PubMed 26900700.

NM_000443.4(ABCB4):c.1375G>C (p.Asp459His)

Gene: ABCB4 (ATP binding cassette subfamily B member 4; minus strand). Cytogenetic location: 7q21.12.
Variant type: single nucleotide variant.
Coding change: c.1375G>C on transcript NM_000443.4 (MANE Select); coding-DNA position 1375, G replaced by C.
Protein change: p.Asp459His; replaces aspartic acid 459 with histidine.
Molecular consequence: missense variant.
Genome position (GRCh38, 1-based): chr7:87,440,384, C>G on the plus strand (G>C on the coding strand, the complement: ABCB4 is on the minus strand). VCF-style: chr7-87440384-C-G. GRCh37 (hg19) VCF-style: chr7-87069700-C-G.
Other names: c.1375G>C, p.Asp459His (NM_018849.3, NM_018850.3); short protein forms D459H.
Identifiers: ClinVar variation 4846418 (VCV004846418.1).
Genomic context (GRCh38, chr7:87,440,384, plus strand): 5'-GCTCCTGACTCACCACACCAATGATTTCCCTCAGATAGTTTACATTAAAGTTCCTAATAT[C>G]CTGCCCATCAATGTTAATCTGAAAGAAAGAAATATTTCCTATTAAGTATTTAACCATTTA-3'
Protein context (NP_000434.1, residues 449-469): DEGTINIDGQ[Asp459His]IRNFNVNYLR